The following is an entry in ClinVar:

ClinVar aggregate classification (germline): Uncertain significance (1 of 4 stars; one submission).

Conditions:
Diamond-Blackfan anemia 5 (DBA5). Also called: RPL35A-Related Diamond-Blackfan Anemia. Identifiers: Orphanet 124, MedGen C2675859, MONDO:0012925, OMIM 612528.

Submission:

Labcorp Genetics (formerly Invitae), Labcorp
Classification: Uncertain significance for Diamond-Blackfan anemia 5. Last evaluated: 2025-07-21. Review status: criteria provided, single submitter. Criteria: Invitae Variant Classification Sherloc (09022015). Collection method: clinical testing. Allele origin: germline.
Comment: This sequence change affects an acceptor splice site in intron 4 of the RPL35A gene. While this variant is not anticipated to result in nonsense mediated decay, it likely alters RNA splicing and results in a disrupted protein product. This variant is not present in population databases (gnomAD no frequency). This variant has not been reported in the literature in individuals affected with RPL35A-related conditions. Variants that disrupt the consensus splice site are a relatively common cause of aberrant splicing (PMID: 17576681, 9536098). Algorithms developed to predict the effect of sequence changes on RNA splicing suggest that this variant may disrupt the consensus splice site. In summary, the available evidence is currently insufficient to determine the role of this variant in disease. Therefore, it has been classified as a Variant of Uncertain Significance.

Literature cited by the submitters: PubMed 17576681; PubMed 9536098.

NM_000996.4(RPL35A):c.310-2A>C

Genes: DRC9 (dynein regulatory complex subunit 9; minus strand), RPL35A (ribosomal protein L35a; plus strand). Cytogenetic location: 3q29.
Variant type: single nucleotide variant.
Coding change: c.310-2A>C on transcript NM_000996.4 (MANE Select); the canonical splice acceptor site of the intron before coding-DNA position 310, A replaced by C.
Molecular consequence: splice acceptor variant. On other transcripts: intron variant (3).
Genome position (GRCh38, 1-based): chr3:197,955,748, A>C. VCF-style: chr3-197955748-A-C. GRCh37 (hg19) VCF-style: chr3-197682619-A-C.
Other names: c.-50+3781T>G (NM_001323028.2); c.-60+3781T>G (NM_032263.5); c.-375+3781T>G (NM_001323029.2); c.310-2A>C (NM_001316311.2).
Identifiers: ClinVar variation 4723673 (VCV004723673.1).